The following is an entry in ClinVar:

ClinVar aggregate classification (germline): Pathogenic. Review status: criteria provided, multiple submitters, no conflicts (2 of 4 stars). 2 submissions from 2 submitters: Pathogenic (2). Last evaluated 2025-01-10.

Conditions:
Lissencephaly type 1 due to doublecortin gene mutation. Also called: LISSENCEPHALY, X-LINKED, 1; LISSENCEPHALY AND AGENESIS OF CORPUS CALLOSUM. Identifiers: Orphanet 2148, MedGen C4551968, MONDO:0010239, OMIM 300067.

Submissions (2):

Department of Neurology, Zibo Changguo Hospital
Classification: Pathogenic for Lissencephaly type 1 due to doublecortin gene mutation. Last evaluated: 2025-01-10. Review status: criteria provided, single submitter. Criteria: ACMG Guidelines, 2015. Collection method: clinical testing. Allele origin: maternal. Inheritance: X-linked inheritance. Affected: yes.
Comment: PVS1, PM2_Supporting, PP4

Institute of Human Genetics, University of Leipzig Medical Center
Classification: Pathogenic for Lissencephaly type 1 due to doublecortin gene mutation. Last evaluated: 2024-10-15. Review status: criteria provided, single submitter. Criteria: ACMG Guidelines, 2015. Collection method: clinical testing. Allele origin: unknown. Inheritance: X-linked dominant inheritance. Affected: yes.
Comment: Criteria applied: PVS1,PM2,PS4_SUP

NM_001195553.2(DCX):c.478del (p.Gln160fs)

Gene: DCX (doublecortin; minus strand). Cytogenetic location: Xq23.
Variant type: Deletion.
Coding change: c.478del on transcript NM_001195553.2 (MANE Select); coding-DNA position 478, one base deleted (C; older notation c.478delC).
Protein change: p.Gln160fs; shifts the reading frame from glutamine 160.
Molecular consequence: frameshift variant.
Genome position (GRCh38, 1-based): chrX:111,401,217, G deleted on the plus strand (C on the coding strand, the reverse complement: DCX is on the minus strand); the first of 6 consecutive G bases (chrX:111,401,217-111,401,222); deleting any one gives the same sequence. VCF-style (leftmost placement, unchanged base first): chrX-111401216-TG-T. GRCh37 (hg19) VCF-style: chrX-110644444-TG-T.
Other names: c.721del, p.Gln241fs (NM_000555.3); c.478del, p.Gln160fs (NM_001369370.1, NM_001369371.1, NM_001369372.1 and 5 more transcripts); short protein forms Q160fs, Q241fs.
Identifiers: ClinVar variation 1285488 (VCV001285488.5), dbSNP rs2147263208, ClinGen allele CA2499226334.